The following is an entry in ClinVar:

NM_006440.5(TXNRD2):c.1475G>A (p.Arg492Gln)

Gene: TXNRD2 (thioredoxin reductase 2; minus strand). Cytogenetic location: 22q11.21.
Variant type: single nucleotide variant.
Coding change: c.1475G>A on transcript NM_006440.5 (MANE Select); coding-DNA position 1475, G replaced by A.
Protein change: p.Arg492Gln; replaces arginine 492 with glutamine.
Molecular consequence: missense variant. On other transcripts: non-coding transcript variant (1).
Genome position (GRCh38, 1-based): chr22:19,877,205, C>T on the plus strand (G>A on the coding strand, the complement: TXNRD2 is on the minus strand). VCF-style: chr22-19877205-C-T. GRCh37 (hg19) VCF-style: chr22-19864728-C-T.
Other names: c.1472G>A, p.Arg491Gln (NM_001352300.2); c.1385G>A, p.Arg462Gln (NM_001352301.2); c.1187G>A, p.Arg396Gln (NM_001352302.2); short protein forms R396Q, R462Q, R491Q, R492Q.
Identifiers: ClinVar variation 1019322 (VCV001019322.10), dbSNP rs368561764, ClinGen allele CA10103615.

ClinVar aggregate classification (germline): Conflicting classifications of pathogenicity. Review status: criteria provided, conflicting classifications (1 of 4 stars). 2 submissions from 2 submitters: Uncertain significance (1); Likely benign (1). Last evaluated 2026-01-15.

Conditions:
Primary dilated cardiomyopathy (DCM). Also called: Dilated Cardiomyopathy. Identifiers: Orphanet 217604, MedGen C0007193, MeSH D002311, MONDO:0005021, HP:0001644. Inheritance: Various modes of inheritance.
Cardiovascular phenotype. Identifiers: MedGen CN230736.

Allele frequency attached by ClinVar (database versions not stated): gnomAD exomes 0.00004; ExAC 0.00005; gnomAD 0.00012 and 0.00013; TOPMed 0.00012; ESP Exome Variant Server 0.00016.
gnomAD v4.1: 73 of 1,611,258 alleles (0.0045%); highest among the groups gnomAD compares: African/African-American, 0.029%; no homozygotes.

Submissions (2):

Labcorp Genetics (formerly Invitae), Labcorp
Classification: Uncertain significance for Primary dilated cardiomyopathy. Last evaluated: 2026-01-15. Review status: criteria provided, single submitter. Criteria: Invitae Variant Classification Sherloc (09022015). Collection method: clinical testing. Allele origin: germline.
Comment: This sequence change replaces arginine, which is basic and polar, with glutamine, which is neutral and polar, at codon 492 of the TXNRD2 protein (p.Arg492Gln). This variant is present in population databases (rs368561764, gnomAD 0.04%). This variant has not been reported in the literature in individuals affected with TXNRD2-related conditions. ClinVar contains an entry for this variant (Variation ID: 1019322). Invitae Evidence Modeling of protein sequence and biophysical properties (such as structural, functional, and spatial information, amino acid conservation, physicochemical variation, residue mobility, and thermodynamic stability) indicates that this missense variant is not expected to disrupt TXNRD2 protein function with a negative predictive value of 80%. In summary, the available evidence is currently insufficient to determine the role of this variant in disease. Therefore, it has been classified as a Variant of Uncertain Significance.

Ambry Genetics
Classification: Likely benign for Cardiovascular phenotype. Last evaluated: 2024-09-06. Review status: criteria provided, single submitter. Criteria: Ambry Variant Classification Scheme 2023. Collection method: clinical testing. Allele origin: germline.